The following is an entry in ClinVar:

ClinVar aggregate classification (germline): Uncertain significance (1 of 4 stars; one submission).

Conditions:
HTR2C-related disorder. Also called: HTR2C-related condition.

gnomAD v4.1: 4 of 1,210,963 alleles (0.00033%); highest among the groups gnomAD compares: Non-Finnish European, 0.00045%; no homozygotes.

Submission:

PreventionGenetics, part of Exact Sciences
Classification: Uncertain significance for HTR2C-related condition. Last evaluated: 2025-08-28. Review status: criteria provided, single submitter. Criteria: ACMG Guidelines, 2015. Collection method: clinical testing. Allele origin: germline.
Comment: The HTR2C c.922A>C variant is predicted to result in the amino acid substitution p.Lys308Gln. To our knowledge, this variant has not been reported in the literature or in a large population database (gnomAD), indicating this variant is rare. At this time, the clinical significance of this variant is uncertain due to the absence of conclusive functional and genetic evidence.

NM_000868.4(HTR2C):c.922A>C (p.Lys308Gln)

Genes: HTR2C (5-hydroxytryptamine receptor 2C; plus strand), LOC126863306 (MED14-independent group 3 enhancer GRCh37_chrX:114140926-114142125; plus strand). Cytogenetic location: Xq23.
Variant type: single nucleotide variant.
Coding change: c.922A>C on transcript NM_000868.4 (MANE Select); coding-DNA position 922, A replaced by C.
Protein change: p.Lys308Gln; replaces lysine 308 with glutamine.
Molecular consequence: missense variant. On other transcripts: 3 prime UTR variant (1).
Genome position (GRCh38, 1-based): chrX:114,906,960, A>C. VCF-style: chrX-114906960-A-C. GRCh37 (hg19) VCF-style: chrX-114141523-A-C.
Other names: c.922A>C, p.Lys308Gln (NM_001256760.3); c.*80A>C (NM_001256761.3); short protein forms K308Q.
Identifiers: ClinVar variation 3358704 (VCV003358704.2).